The following is an entry in ClinVar:

NM_001204.7(BMPR2):c.817A>G (p.Met273Val)

Gene: BMPR2 (bone morphogenetic protein receptor type 2; plus strand). Cytogenetic location: 2q33.2.
Variant type: single nucleotide variant.
Coding change: c.817A>G on transcript NM_001204.7 (MANE Select); coding-DNA position 817, A replaced by G.
Protein change: p.Met273Val; replaces methionine 273 with valine.
Molecular consequence: missense variant.
Genome position (GRCh38, 1-based): chr2:202,519,017, A>G. VCF-style: chr2-202519017-A-G. GRCh37 (hg19) VCF-style: chr2-203383740-A-G.
Other names: p.Met273Val; short protein forms M273V.
Identifiers: ClinVar variation 3379412 (VCV003379412.2).
Genomic context (GRCh38, chr2:202,519,017, plus strand): 5'-GAACATGACAACATTGCCCGCTTTATAGTTGGAGATGAGAGAGTCACTGCAGATGGACGC[A>G]TGGAATATTTGCTTGTGATGGAGTACTATCCCAATGTAAGTTCTTCATAGAAAATAAACT-3'
Protein context (NP_001195.2, residues 263-283): GDERVTADGR[Met273Val]EYLLVMEYYP

ClinVar aggregate classification (germline): Uncertain significance. Review status: criteria provided, multiple submitters, no conflicts (2 of 4 stars). 2 submissions from 2 submitters: Uncertain significance (2). Last evaluated 2025-04-24.

Conditions:
Inborn genetic diseases. Identifiers: MedGen C0950123, MeSH D030342.

gnomAD v4.1: 7 of 1,614,148 alleles (0.00043%); highest among the groups gnomAD compares: Non-Finnish European, 0.00059%; no homozygotes.

Submissions (2):

Ambry Genetics
Classification: Uncertain significance for Inborn genetic diseases. Last evaluated: 2025-04-24. Review status: criteria provided, single submitter. Criteria: Ambry Variant Classification Scheme 2023. Collection method: clinical testing. Allele origin: germline.
Comment: The p.M273V variant (also known as c.817A>G), located in coding exon 6 of the BMPR2 gene, results from an A to G substitution at nucleotide position 817. The methionine at codon 273 is replaced by valine, an amino acid with highly similar properties. This amino acid position is conserved. In addition, this alteration is predicted to be tolerated by in silico analysis. Based on the available evidence, the clinical significance of this variant remains unclear.

Mayo Clinic Laboratories, Mayo Clinic
Classification: Uncertain significance. Last evaluated: 2024-08-01. Review status: criteria provided, single submitter. Criteria: ACMG Guidelines, 2015. Collection method: clinical testing. Allele origin: germline. Observed: 1 variant allele.
Comment: BP4, PM2